The following is an entry in ClinVar:

ClinVar aggregate classification (germline): Uncertain significance. Review status: criteria provided, multiple submitters, no conflicts (2 of 4 stars). 4 submissions from 4 submitters: Uncertain significance (4). Last evaluated 2024-04-03.

Conditions:
Cardiovascular phenotype. Identifiers: MedGen CN230736.
Long QT syndrome (LQTS). Identifiers: MedGen C0023976, MeSH D008133, MONDO:0002442. Disease mechanism: loss of function. Inheritance: Various modes of inheritance.

Allele frequency attached by ClinVar (database versions not stated): gnomAD exomes below 0.00001 and 0.00001; TOPMed 0.00001.
gnomAD v4.1: 8 of 1,614,124 alleles (0.0005%); highest among the groups gnomAD compares: Non-Finnish European, 0.00068%; no homozygotes.

Submissions (4):

Labcorp Genetics (formerly Invitae), Labcorp
Classification: Uncertain significance for Long QT syndrome. Last evaluated: 2024-04-03. Review status: criteria provided, single submitter. Criteria: Invitae Variant Classification Sherloc (09022015). Collection method: clinical testing. Allele origin: germline.
Comment: This sequence change replaces glutamic acid, which is acidic and polar, with lysine, which is basic and polar, at codon 55 of the KCNJ5 protein (p.Glu55Lys). This variant is present in population databases (rs72544301, gnomAD 0.002%). This variant has not been reported in the literature in individuals affected with KCNJ5-related conditions. ClinVar contains an entry for this variant (Variation ID: 1514769). Advanced modeling of protein sequence and biophysical properties (such as structural, functional, and spatial information, amino acid conservation, physicochemical variation, residue mobility, and thermodynamic stability) performed at Invitae indicates that this missense variant is not expected to disrupt KCNJ5 protein function with a negative predictive value of 80%. In summary, the available evidence is currently insufficient to determine the role of this variant in disease. Therefore, it has been classified as a Variant of Uncertain Significance.

Ambry Genetics
Classification: Uncertain significance for Cardiovascular phenotype. Last evaluated: 2024-03-21. Review status: criteria provided, single submitter. Criteria: Ambry Variant Classification Scheme 2023. Collection method: clinical testing. Allele origin: germline.
Comment: The p.E55K variant (also known as c.163G>A), located in coding exon 1 of the KCNJ5 gene, results from a G to A substitution at nucleotide position 163. The glutamic acid at codon 55 is replaced by lysine, an amino acid with similar properties. This amino acid position is well conserved in available vertebrate species. In addition, the in silico prediction for this alteration is inconclusive. Based on the available evidence, the clinical significance of this alteration remains unclear for long QT syndrome; however, it is unlikely to be causative of KCNJ5-related hyperaldosteronism.

GeneDx
Classification: Uncertain significance. Last evaluated: 2023-05-08. Review status: criteria provided, single submitter. Criteria: GeneDx Variant Classification Process June 2021. Collection method: clinical testing. Allele origin: germline. Affected: yes.
Comment: Not observed at significant frequency in large population cohorts (gnomAD); In silico analysis supports that this missense variant does not alter protein structure/function; Has not been previously published as pathogenic or benign to our knowledge

Breakthrough Genomics
Classification: Uncertain significance. Review status: criteria provided, single submitter. Criteria: ACMG Guidelines, 2015. Collection method: not provided. Allele origin: germline. Inheritance: Autosomal dominant inheritance. Affected: yes.

NM_000890.5(KCNJ5):c.163G>A (p.Glu55Lys)

Gene: KCNJ5 (potassium inwardly rectifying channel subfamily J member 5; plus strand). Cytogenetic location: 11q24.3.
Variant type: single nucleotide variant.
Coding change: c.163G>A on transcript NM_000890.5 (MANE Select); coding-DNA position 163, G replaced by A.
Protein change: p.Glu55Lys; replaces glutamic acid 55 with lysine.
Molecular consequence: missense variant.
Genome position (GRCh38, 1-based): chr11:128,911,436, G>A. VCF-style: chr11-128911436-G-A. GRCh37 (hg19) VCF-style: chr11-128781331-G-A.
Other names: c.163G>A, p.Glu55Lys (NM_001354169.2); short protein forms E55K.
Identifiers: ClinVar variation 1514769 (VCV001514769.11), dbSNP rs72544301, ClinGen allele CA230640393.
Genomic context (GRCh38, chr11:128,911,436, plus strand): 5'-ATTGCCACAGACCGTACGCGCCTGCTGGCCGAGGGCAAGAAGCCACGCCAGCGCTACATG[G>A]AGAAGAGTGGCAAGTGCAACGTGCACCACGGCAACGTCCAGGAGACCTACCGGTACCTGA-3'
Protein context (NP_000881.3, residues 45-65): EGKKPRQRYM[Glu55Lys]KSGKCNVHHG